The following is an entry in ClinVar:

ClinVar aggregate classification (germline): Uncertain significance (1 of 4 stars; one submission).

Conditions:
Charcot-Marie-Tooth disease axonal type 2O. Also called: CHARCOT-MARIE-TOOTH DISEASE, AXONAL, AUTOSOMAL DOMINANT, TYPE 2O; CHARCOT-MARIE-TOOTH NEUROPATHY, AXONAL, TYPE 2O; Charcot-Marie-Tooth Neuropathy Type 2O; Charcot-Marie-Tooth disease, axonal, type 20. Identifiers: Orphanet 284232, MedGen C3280220, MONDO:0013644, OMIM 614228.

Allele frequency attached by ClinVar (database versions not stated): gnomAD exomes below 0.00001.
gnomAD v4.1: 1 of 1,614,220 alleles (0.000062%); highest among the groups gnomAD compares: Non-Finnish European, 0.000085%; no homozygotes.

Submission:

Labcorp Genetics (formerly Invitae), Labcorp
Classification: Uncertain significance for Charcot-Marie-Tooth disease axonal type 2O. Last evaluated: 2023-10-13. Review status: criteria provided, single submitter. Criteria: Invitae Variant Classification Sherloc (09022015). Collection method: clinical testing. Allele origin: germline.
Comment: This sequence change affects codon 4612 of the DYNC1H1 mRNA. It is a 'silent' change, meaning that it does not change the encoded amino acid sequence of the DYNC1H1 protein. This variant is not present in population databases (gnomAD no frequency). This variant has not been reported in the literature in individuals affected with DYNC1H1-related conditions. Algorithms developed to predict the effect of sequence changes on RNA splicing suggest that this variant may create or strengthen a splice site. In summary, the available evidence is currently insufficient to determine the role of this variant in disease. Therefore, it has been classified as a Variant of Uncertain Significance.

NM_001376.5(DYNC1H1):c.13836C>T (p.Asn4612=)

Gene: DYNC1H1 (dynein cytoplasmic 1 heavy chain 1; plus strand). Cytogenetic location: 14q32.31.
Variant type: single nucleotide variant.
Coding change: c.13836C>T on transcript NM_001376.5 (MANE Select); coding-DNA position 13836, C replaced by T.
Protein change: p.Asn4612=; no amino-acid change (asparagine 4612 retained).
Molecular consequence: synonymous variant.
Genome position (GRCh38, 1-based): chr14:102,050,458, C>T. VCF-style: chr14-102050458-C-T. GRCh37 (hg19) VCF-style: chr14-102516795-C-T.
Identifiers: ClinVar variation 2999558 (VCV002999558.3), dbSNP rs2503893361, ClinGen allele CA487969771.